The following is an entry in ClinVar:

NM_022437.3(ABCG8):c.1453G>A (p.Gly485Arg)

Gene: ABCG8 (ATP binding cassette subfamily G member 8; plus strand). Cytogenetic location: 2p21.
Variant type: single nucleotide variant.
Coding change: c.1453G>A on transcript NM_022437.3 (MANE Select); coding-DNA position 1453, G replaced by A.
Protein change: p.Gly485Arg; replaces glycine 485 with arginine.
Molecular consequence: missense variant.
Genome position (GRCh38, 1-based): chr2:43,874,448, G>A. VCF-style: chr2-43874448-G-A. GRCh37 (hg19) VCF-style: chr2-44101587-G-A.
Other names: c.1450G>A, p.Gly484Arg (NM_001357321.2); short protein forms G485R, G484R.
Identifiers: ClinVar variation 501722 (VCV000501722.9), dbSNP rs777641236, ClinGen allele CA1637461.

ClinVar aggregate classification (germline): Uncertain significance. Review status: criteria provided, multiple submitters, no conflicts (2 of 4 stars). 3 submissions from 3 submitters: Uncertain significance (3). Last evaluated 2023-12-05.

Conditions:
Sitosterolemia 1. Identifiers: MedGen C2749759, MONDO:0020747, OMIM 210250.

Allele frequency attached by ClinVar (database versions not stated): gnomAD 0.00001; gnomAD exomes 0.00001; ExAC 0.00002.
gnomAD v4.1: 47 of 1,613,746 alleles (0.0029%); highest among the groups gnomAD compares: African/African-American, 0.0053%; no homozygotes.

Submissions (3):

Revvity Omics, Revvity
Classification: Uncertain significance for Sitosterolemia 1. Last evaluated: 2023-12-05. Review status: criteria provided, single submitter. Criteria: ACMG Guidelines, 2015. Collection method: clinical testing. Allele origin: germline.

Labcorp Genetics (formerly Invitae), Labcorp
Classification: Uncertain significance. Last evaluated: 2023-05-09. Review status: criteria provided, single submitter. Criteria: Invitae Variant Classification Sherloc (09022015). Collection method: clinical testing. Allele origin: germline.
Comment: This sequence change replaces glycine, which is neutral and non-polar, with arginine, which is basic and polar, at codon 485 of the ABCG8 protein (p.Gly485Arg). This variant is present in population databases (rs777641236, gnomAD 0.004%). This missense change has been observed in individual(s) with dyslipidemia (PMID: 32041611). ClinVar contains an entry for this variant (Variation ID: 501722). Advanced modeling of protein sequence and biophysical properties (such as structural, functional, and spatial information, amino acid conservation, physicochemical variation, residue mobility, and thermodynamic stability) performed at Invitae indicates that this missense variant is not expected to disrupt ABCG8 protein function. In summary, the available evidence is currently insufficient to determine the role of this variant in disease. Therefore, it has been classified as a Variant of Uncertain Significance.

Eurofins Ntd Llc (ga)
Classification: Uncertain significance. Last evaluated: 2017-05-02. Review status: criteria provided, single submitter. Criteria: EGL Classification Definitions 2015. Collection method: clinical testing. Allele origin: germline. Observed: 1 variant allele, 1 heterozygote.

Literature cited by the submitters: PubMed 32041611 (cited by Labcorp Genetics (formerly Invitae), Labcorp).